The following is an entry in ClinVar:

NM_002821.5(PTK7):c.1653C>T (p.Asn551=)

Gene: PTK7 (protein tyrosine kinase 7 (inactive); plus strand). Cytogenetic location: 6p21.1.
Variant type: single nucleotide variant.
Coding change: c.1653C>T on transcript NM_002821.5 (MANE Select); coding-DNA position 1653, C replaced by T.
Protein change: p.Asn551=; no amino-acid change (asparagine 551 retained).
Molecular consequence: synonymous variant. On other transcripts: non-coding transcript variant (2).
Genome position (GRCh38, 1-based): chr6:43,141,702, C>T. VCF-style: chr6-43141702-C-T. GRCh37 (hg19) VCF-style: chr6-43109440-C-T.
Other names: c.1677C>T, p.Asn559= (NM_001270398.2); c.1533C>T, p.Asn511= (NM_152880.4); c.1263C>T, p.Asn421= (NM_152881.4); c.1653C>T, p.Asn551= (NM_152882.4).
Identifiers: ClinVar variation 3037971 (VCV003037971.2), dbSNP rs143042627, ClinGen allele CA3816103.

ClinVar aggregate classification (germline): Likely benign (0 of 4 stars; one submission).

Conditions:
PTK7-related disorder. Also called: PTK7-related condition.

Allele frequency attached by ClinVar (database versions not stated): gnomAD exomes 0.00008; TOPMed 0.00009; ExAC 0.00010; gnomAD 0.00012; 1000 Genomes Project 30x 0.00062; 1000 Genomes Project 0.00080.
gnomAD v4.1: 135 of 1,614,170 alleles (0.0084%); highest among the groups gnomAD compares: Middle Eastern, 0.4%; no homozygotes.

Submission:

PreventionGenetics, part of Exact Sciences
Classification: Likely benign for PTK7-related condition. Last evaluated: 2019-04-25. Review status: no assertion criteria provided. Collection method: clinical testing. Allele origin: germline.
Comment: This variant is classified as likely benign based on ACMG/AMP sequence variant interpretation guidelines (Richards et al. 2015 PMID: 25741868, with internal and published modifications).